The following is an entry in ClinVar:

ClinVar aggregate classification (germline): Uncertain significance (1 of 4 stars; one submission).

Conditions:
Infantile-onset X-linked spinal muscular atrophy. Also called: AMC, DISTAL, X-LINKED; ARTHROGRYPOSIS, X-LINKED, TYPE I; SPINAL MUSCULAR ATROPHY, X-LINKED LETHAL INFANTILE; Spinal Muscular Atrophy, X-Linked Infantile; Spinal muscular atrophy, X-linked 2. Identifiers: Orphanet 1145, MedGen C1844934, MONDO:0010532, OMIM 301830.

Submission:

Labcorp Genetics (formerly Invitae), Labcorp
Classification: Uncertain significance for Infantile-onset X-linked spinal muscular atrophy. Last evaluated: 2021-07-28. Review status: criteria provided, single submitter. Criteria: Invitae Variant Classification Sherloc (09022015). Collection method: clinical testing. Allele origin: germline.
Comment: In summary, the available evidence is currently insufficient to determine the role of this variant in disease. Therefore, it has been classified as a Variant of Uncertain Significance. Algorithms developed to predict the effect of missense changes on protein structure and function output the following: SIFT: "Tolerated"; PolyPhen-2: "Benign"; Align-GVGD: "Class C0". The aspartic acid amino acid residue is found in multiple mammalian species, suggesting that this missense change does not adversely affect protein function. These predictions have not been confirmed by published functional studies and their clinical significance is uncertain. This variant has not been reported in the literature in individuals with UBA1-related conditions. This variant is not present in population databases (ExAC no frequency). This sequence change replaces glutamic acid with aspartic acid at codon 65 of the UBA1 protein (p.Glu65Asp). The glutamic acid residue is moderately conserved and there is a small physicochemical difference between glutamic acid and aspartic acid.

NM_003334.4(UBA1):c.195G>C (p.Glu65Asp)

Genes: UBA1 (ubiquitin like modifier activating enzyme 1; plus strand), LOC126863253 (CDK7 strongly-dependent group 2 enhancer GRCh37_chrX:47057593-47058792; plus strand). Cytogenetic location: Xp11.3.
Variant type: single nucleotide variant.
Coding change: c.195G>C on transcript NM_003334.4 (MANE Select); coding-DNA position 195, G replaced by C.
Protein change: p.Glu65Asp; replaces glutamic acid 65 with aspartic acid.
Molecular consequence: missense variant.
Genome position (GRCh38, 1-based): chrX:47,199,227, G>C. VCF-style: chrX-47199227-G-C. GRCh37 (hg19) VCF-style: chrX-47058626-G-C.
Other names: c.195G>C, p.Glu65Asp (NM_153280.3); short protein forms E65D.
Identifiers: ClinVar variation 1040883 (VCV001040883.9), dbSNP rs1936314065, ClinGen allele CA412787198.